The following is an entry in ClinVar:

NM_025216.3(WNT10A):c.315G>A (p.Trp105Ter)

Gene: WNT10A (Wnt family member 10A; plus strand). Cytogenetic location: 2q35.
Variant type: single nucleotide variant.
Coding change: c.315G>A on transcript NM_025216.3 (MANE Select); coding-DNA position 315, G replaced by A.
Protein change: p.Trp105Ter; replaces tryptophan 105 with a stop codon.
Molecular consequence: nonsense.
Genome position (GRCh38, 1-based): chr2:218,882,362, G>A. VCF-style: chr2-218882362-G-A. GRCh37 (hg19) VCF-style: chr2-219747084-G-A.
Other names: short protein forms W105*.
Identifiers: ClinVar variation 1075184 (VCV001075184.7), dbSNP rs886055642, ClinGen allele CA350619058.

ClinVar aggregate classification (germline): Pathogenic (1 of 4 stars; one submission).

Conditions:
Odonto-onycho-dermal dysplasia. Identifiers: Orphanet 2721, MedGen C0796093, MONDO:0009773, OMIM 257980.
Tooth agenesis, selective, 4 (STHAG4). Also called: TOOTH AGENESIS, SELECTIVE, 4, WITH OR WITHOUT ECTODERMAL DYSPLASIA; LATERAL INCISORS, ABSENCE OF; LATERAL INCISORS, PEGGED OR MISSING; SUCCEDANEOUS TEETH, AGENESIS OF. Identifiers: Orphanet 99798, MedGen C1835492, MONDO:0007881, OMIM 150400. Disease mechanism: loss of function.

Submission:

Labcorp Genetics (formerly Invitae), Labcorp
Classification: Pathogenic for Tooth agenesis, selective, 4; Odonto-onycho-dermal dysplasia. Last evaluated: 2021-08-06. Review status: criteria provided, single submitter. Criteria: Invitae Variant Classification Sherloc (09022015). Collection method: clinical testing. Allele origin: germline.
Comment: For these reasons, this variant has been classified as Pathogenic. ClinVar contains an entry for this variant (Variation ID: 1075184). This variant has not been reported in the literature in individuals affected with WNT10A-related conditions. This variant is not present in population databases (ExAC no frequency). This sequence change creates a premature translational stop signal (p.Trp105*) in the WNT10A gene. It is expected to result in an absent or disrupted protein product. Loss-of-function variants in WNT10A are known to be pathogenic (PMID: 17847007, 22581971, 25629078).

Literature cited by the submitters: PubMed 17847007; PubMed 22581971; PubMed 25629078.